The following is an entry in ClinVar:

NM_006258.4(PRKG1):c.815C>T (p.Thr272Ile)

Gene: PRKG1 (protein kinase cGMP-dependent 1; plus strand). Cytogenetic location: 10q21.1.
Variant type: single nucleotide variant.
Coding change: c.815C>T on transcript NM_006258.4 (MANE Select); coding-DNA position 815, C replaced by T.
Protein change: p.Thr272Ile; replaces threonine 272 with isoleucine.
Molecular consequence: missense variant. On other transcripts: 5 prime UTR variant (1).
Genome position (GRCh38, 1-based): chr10:52,054,536, C>T. VCF-style: chr10-52054536-C-T. GRCh37 (hg19) VCF-style: chr10-53814296-C-T.
Other names: c.770C>T, p.Thr257Ile (NM_001098512.3); c.-395C>T (NM_001374781.1); c.815C>T, p.Thr272Ile (NM_001374782.1); short protein forms T257I, T272I.
Identifiers: ClinVar variation 3225519 (VCV003225519.1), dbSNP rs2133254714, ClinGen allele CA376533899.

ClinVar aggregate classification (germline): Uncertain significance (1 of 4 stars; one submission).

Conditions:
Familial thoracic aortic aneurysm and aortic dissection (TAAD). Also called: Thoracic aortic aneurysms and dissections. Identifiers: Orphanet 91387, MedGen C4707243, MONDO:0019625.

Submission:

Ambry Genetics
Classification: Uncertain significance for Familial thoracic aortic aneurysm and aortic dissection. Last evaluated: 2023-11-17. Review status: criteria provided, single submitter. Criteria: Ambry Variant Classification Scheme 2023. Collection method: clinical testing. Allele origin: germline.
Comment: The p.T272I variant (also known as c.815C>T), located in coding exon 6 of the PRKG1 gene, results from a C to T substitution at nucleotide position 815. The threonine at codon 272 is replaced by isoleucine, an amino acid with similar properties. This amino acid position is conserved. In addition, this alteration is predicted to be deleterious by in silico analysis. Since supporting evidence is limited at this time, the clinical significance of this alteration remains unclear.